The following is an entry in ClinVar:

ClinVar aggregate classification (germline): Uncertain significance. Review status: criteria provided, multiple submitters, no conflicts (2 of 4 stars). 2 submissions from 2 submitters: Uncertain significance (2). Last evaluated 2025-08-18.

Allele frequency attached by ClinVar (database versions not stated): ExAC 0.00002; gnomAD 0.00003; TOPMed 0.00003; ESP Exome Variant Server 0.00015.
gnomAD v4.1: 12 of 1,613,614 alleles (0.00074%); highest among the groups gnomAD compares: Admixed American, 0.0033%; no homozygotes.

Submissions (2):

Labcorp Genetics (formerly Invitae), Labcorp
Classification: Uncertain significance. Last evaluated: 2025-08-18. Review status: criteria provided, single submitter. Criteria: Invitae Variant Classification Sherloc (09022015). Collection method: clinical testing. Allele origin: germline.
Comment: This sequence change replaces alanine, which is neutral and non-polar, with valine, which is neutral and non-polar, at codon 1156 of the SAMD9L protein (p.Ala1156Val). This variant is present in population databases (rs374886942, gnomAD 0.006%). This variant has not been reported in the literature in individuals affected with SAMD9L-related conditions. ClinVar contains an entry for this variant (Variation ID: 2502771). Invitae Evidence Modeling of protein sequence and biophysical properties (such as structural, functional, and spatial information, amino acid conservation, physicochemical variation, residue mobility, and thermodynamic stability) indicates that this missense variant is expected to disrupt SAMD9L protein function with a positive predictive value of 80%. In summary, the available evidence is currently insufficient to determine the role of this variant in disease. Therefore, it has been classified as a Variant of Uncertain Significance.

GeneDx
Classification: Uncertain significance. Last evaluated: 2024-09-15. Review status: criteria provided, single submitter. Criteria: GeneDx Variant Classification Process June 2021. Collection method: clinical testing. Allele origin: germline.
Comment: Not observed at significant frequency in large population cohorts (gnomAD); In silico analysis supports that this missense variant has a deleterious effect on protein structure/function; Has not been previously published as pathogenic or benign to our knowledge; This variant is associated with the following publications: (PMID: 28545555)

NM_152703.5(SAMD9L):c.3467C>T (p.Ala1156Val)

Gene: SAMD9L (sterile alpha motif domain containing 9 like; minus strand). Cytogenetic location: 7q21.2.
Variant type: single nucleotide variant.
Coding change: c.3467C>T on transcript NM_152703.5 (MANE Select); coding-DNA position 3467, C replaced by T.
Protein change: p.Ala1156Val; replaces alanine 1156 with valine.
Molecular consequence: missense variant.
Genome position (GRCh38, 1-based): chr7:93,132,505, G>A on the plus strand (C>T on the coding strand, the complement: SAMD9L is on the minus strand). VCF-style: chr7-93132505-G-A. GRCh37 (hg19) VCF-style: chr7-92761818-G-A.
Other names: c.3467C>T, p.Ala1156Val (NM_001303496.3, NM_001303497.3, NM_001303498.3 and 5 more transcripts); short protein forms A1156V.
Identifiers: ClinVar variation 2502771 (VCV002502771.5), dbSNP rs374886942, ClinGen allele CA4343447.